The following is an entry in ClinVar:

ClinVar aggregate classification (germline): Likely benign. Review status: criteria provided, multiple submitters, no conflicts (2 of 4 stars). 2 submissions from 2 submitters: Likely benign (2). Last evaluated 2025-10-21.

Allele frequency attached by ClinVar (database versions not stated): gnomAD exomes 0.00001; ExAC 0.00002; gnomAD 0.00006 and 0.00007; TOPMed 0.00006; ESP Exome Variant Server 0.00008.
gnomAD v4.1: 125 of 1,613,564 alleles (0.0077%); highest among the groups gnomAD compares: Non-Finnish European, 0.01%; no homozygotes.

Submissions (2):

Labcorp Genetics (formerly Invitae), Labcorp
Classification: Likely benign. Last evaluated: 2025-10-21. Review status: criteria provided, single submitter. Criteria: Invitae Variant Classification Sherloc (09022015). Collection method: clinical testing. Allele origin: germline.

GeneDx
Classification: Likely benign. Last evaluated: 2016-02-11. Review status: criteria provided, single submitter. Criteria: GeneDx Variant Classification (06012015). Collection method: clinical testing. Allele origin: germline. Affected: yes.
Comment: This variant is considered likely benign or benign based on one or more of the following criteria: it is a conservative change, it occurs at a poorly conserved position in the protein, it is predicted to be benign by multiple in silico algorithms, and/or has population frequency not consistent with disease.

NM_002635.4(SLC25A3):c.55C>T (p.Leu19=)

Gene: SLC25A3 (solute carrier family 25 member 3; plus strand). Cytogenetic location: 12q23.1.
Variant type: single nucleotide variant.
Coding change: c.55C>T on transcript NM_002635.4 (MANE Select); coding-DNA position 55, C replaced by T.
Protein change: p.Leu19=; no amino-acid change (leucine 19 retained).
Molecular consequence: synonymous variant.
Genome position (GRCh38, 1-based): chr12:98,594,033, C>T. VCF-style: chr12-98594033-C-T. GRCh37 (hg19) VCF-style: chr12-98987811-C-T.
Other names: c.55C>T, p.Leu19= (NM_005888.4, NM_213611.3).
Identifiers: ClinVar variation 378597 (VCV000378597.8), dbSNP rs373222952, ClinGen allele CA6732792.
Genomic context (GRCh38, chr12:98,594,033, plus strand): 5'-AGAAAGATGTTCTCGTCCGTGGCGCACCTGGCGCGGGCGAACCCCTTCAACACGCCACAT[C>T]TGCAGCTGGTGCACGATGGTCTCGGGGACCTCCGCAGCAGCTCCCCAGGGCCCACGGGCC-3'
Protein context (NP_002626.1, residues 9-29): ARANPFNTPH[Leu19=]QLVHDGLGDL